The following is an entry in ClinVar:

NM_001164508.2(NEB):c.19529G>A (p.Ser6510Asn)

Genes: NEB (nebulin; minus strand), LOC126806373 (BRD4-independent group 4 enhancer GRCh37_chr2:152410007-152411206; plus strand). Cytogenetic location: 2q23.3.
Variant type: single nucleotide variant.
Coding change: c.19529G>A on transcript NM_001164508.2 (MANE Select); coding-DNA position 19529, G replaced by A.
Protein change: p.Ser6510Asn; replaces serine 6510 with asparagine.
Molecular consequence: missense variant.
Genome position (GRCh38, 1-based): chr2:151,553,925, C>T on the plus strand (G>A on the coding strand, the complement: NEB is on the minus strand). VCF-style: chr2-151553925-C-T. GRCh37 (hg19) VCF-style: chr2-152410439-C-T.
Other names: c.19529G>A, p.Ser6510Asn (NM_001164507.2, NM_001271208.2); c.14426G>A, p.Ser4809Asn (NM_004543.5); short protein forms S6510N, S4809N.
Identifiers: ClinVar variation 2144265 (VCV002144265.1), dbSNP rs2552185347, ClinGen allele CA348791382.

ClinVar aggregate classification (germline): Uncertain significance (1 of 4 stars; one submission).

Conditions:
Nemaline myopathy 2 (NEM2). Also called: Nemaline myopathy 2, autosomal recessive. Identifiers: MedGen C1850569, MONDO:0009725, OMIM 256030.

Submission:

Labcorp Genetics (formerly Invitae), Labcorp
Classification: Uncertain significance for Nemaline myopathy 2. Last evaluated: 2022-07-07. Review status: criteria provided, single submitter. Criteria: Invitae Variant Classification Sherloc (09022015). Collection method: clinical testing. Allele origin: germline.
Comment: This sequence change replaces serine, which is neutral and polar, with asparagine, which is neutral and polar, at codon 6510 of the NEB protein (p.Ser6510Asn). This variant is not present in population databases (gnomAD no frequency). This variant has not been reported in the literature in individuals affected with NEB-related conditions. Algorithms developed to predict the effect of missense changes on protein structure and function are either unavailable or do not agree on the potential impact of this missense change (SIFT: "Deleterious"; PolyPhen-2: "Not Available"; Align-GVGD: "Class C0"). In summary, the available evidence is currently insufficient to determine the role of this variant in disease. Therefore, it has been classified as a Variant of Uncertain Significance.